The following is an entry in ClinVar:

NM_001165963.4(SCN1A):c.2043+107G>A

Gene: SCN1A (sodium voltage-gated channel alpha subunit 1; minus strand). Cytogenetic location: 2q24.3.
Variant type: single nucleotide variant.
Coding change: c.2043+107G>A on transcript NM_001165963.4 (MANE Select); 107 bases into the intron after coding-DNA position 2043, G replaced by A.
Molecular consequence: intron variant.
Genome position (GRCh38, 1-based): chr2:166,043,562, C>T on the plus strand (G>A on the coding strand, the complement: SCN1A is on the minus strand). VCF-style: chr2-166043562-C-T. GRCh37 (hg19) VCF-style: chr2-166900072-C-T.
Other names: c.2010+140G>A (NM_001353949.2, NM_001353950.2, NM_001353951.2 and 2 more transcripts); c.1959+191G>A (NM_001353958.2, NM_001353957.2, NM_001165964.3); c.2043+107G>A (NM_001202435.3, NM_001353948.2); c.2007+140G>A (NM_001353955.2, NM_001353954.2); c.1956+191G>A (NM_001353960.2); c.-416+140G>A (NM_001353961.2).
Identifiers: ClinVar variation 675967 (VCV000675967.2), dbSNP rs111489104, ClinGen allele CA59793517.

ClinVar aggregate classification (germline): Benign. Review status: criteria provided, multiple submitters, no conflicts (2 of 4 stars). 2 submissions from 2 submitters: Benign (2). Last evaluated 2018-06-14.

Allele frequency attached by ClinVar (database versions not stated): gnomAD exomes 0.00246; gnomAD 0.02739 and 0.02925; TOPMed 0.03060; 1000 Genomes Project 0.03175; 1000 Genomes Project 30x 0.03404.
gnomAD v4.1: 7,063 of 1,296,106 alleles (0.54%); highest among the groups gnomAD compares: African/African-American, 9.5%; 349 homozygotes.

Submissions (2):

GeneDx
Classification: Benign. Last evaluated: 2018-06-14. Review status: criteria provided, single submitter. Criteria: GeneDx Variant Classification (06012015). Collection method: clinical testing. Allele origin: germline. Affected: yes.
Comment: This variant is considered likely benign or benign based on one or more of the following criteria: it is a conservative change, it occurs at a poorly conserved position in the protein, it is predicted to be benign by multiple in silico algorithms, and/or has population frequency not consistent with disease.

Breakthrough Genomics
Classification: Benign. Review status: criteria provided, single submitter. Criteria: ACMG Guidelines, 2015. Collection method: not provided. Allele origin: germline. Inheritance: Autosomal dominant inheritance. Affected: yes.